The following is an entry in ClinVar:

ClinVar aggregate classification (germline): Uncertain significance (1 of 4 stars; one submission).

Conditions:
Hereditary cancer-predisposing syndrome. Also called: Tumor predisposition; Hereditary Cancer Syndrome; Neoplastic Syndromes, Hereditary; Hereditary neoplastic syndrome. Identifiers: Orphanet 140162, MedGen C0027672, MeSH D009386, MONDO:0015356.

Submission:

Ambry Genetics
Classification: Uncertain significance for Hereditary cancer-predisposing syndrome. Last evaluated: 2019-10-22. Review status: criteria provided, single submitter. Criteria: Ambry Variant Classification Scheme 2023. Collection method: clinical testing. Allele origin: germline.
Comment: The c.2793_2795delCAA variant (also known as p.N931del) is located in coding exon 17 of the RAD50 gene. This variant results from an in-frame CAA deletion at nucleotide positions 2793 to 2795. This results in the in-frame deletion of an asparagine at codon 931. This amino acid position is not well conserved in available vertebrate species. Since supporting evidence is limited at this time, the clinical significance of this alteration remains unclear.

NM_005732.4(RAD50):c.2790CAA[1] (p.Asn931del)

Gene: RAD50 (RAD50 double strand break repair protein; plus strand). Cytogenetic location: 5q31.1.
Variant type: Microsatellite.
Coding change: c.2790CAA[1] on transcript NM_005732.4 (MANE Select); one copy of the 3-base unit CAA starting at c.2790; the reference has two copies in a row; one copy, 3 bases deleted.
Protein change: p.Asn931del; deletes asparagine 931.
Molecular consequence: inframe deletion.
Genome position (GRCh38, 1-based): chr5:132,608,689-132,608,691, CAA deleted; deleting any 3 consecutive bases within chr5:132,608,686-132,608,691 gives the same sequence; the position shown is the placement nearest the transcript's 3' end. VCF-style (leftmost placement, unchanged base first): chr5-132608685-TCAA-T. GRCh37 (hg19) VCF-style: chr5-131944377-TCAA-T.
Other names: short protein forms N931del.
Identifiers: ClinVar variation 1796070 (VCV001796070.2), dbSNP rs2479370030, ClinGen allele CA2580613655.